The following is an entry in ClinVar:

ClinVar aggregate classification (germline): Uncertain significance (1 of 4 stars; one submission).

Conditions:
RYR1-related disorder. Also called: RYR1-related condition; RYR1-related disorders. Identifiers: MedGen CN239331.

Submission:

PreventionGenetics, part of Exact Sciences
Classification: Uncertain significance for RYR1-related condition. Last evaluated: 2022-12-14. Review status: criteria provided, single submitter. Criteria: ACMG Guidelines, 2015. Collection method: clinical testing. Allele origin: germline.
Comment: The RYR1 c.1796T>C variant is predicted to result in the amino acid substitution p.Leu599Pro. To our knowledge, this variant has not been reported in the literature or in a large population database, indicating this variant is rare. At this time, the clinical significance of this variant is uncertain due to the absence of conclusive functional and genetic evidence.

NM_000540.3(RYR1):c.1796T>C (p.Leu599Pro)

Gene: RYR1 (ryanodine receptor 1; plus strand). Cytogenetic location: 19q13.2.
Variant type: single nucleotide variant.
Coding change: c.1796T>C on transcript NM_000540.3 (MANE Select); coding-DNA position 1796, T replaced by C.
Protein change: p.Leu599Pro; replaces leucine 599 with proline.
Molecular consequence: missense variant.
Genome position (GRCh38, 1-based): chr19:38,457,501, T>C. VCF-style: chr19-38457501-T-C. GRCh37 (hg19) VCF-style: chr19-38948141-T-C.
Other names: c.1796T>C, p.Leu599Pro (NM_001042723.2); short protein forms L599P.
Identifiers: ClinVar variation 2635202 (VCV002635202.1), dbSNP rs2514037844, ClinGen allele CA405693590.
Genomic context (GRCh38, chr19:38,457,501, plus strand): 5'-CTGTAGATCCTGCCCTGGTGCCTACACACCCTTTAACCTCTGACCTTGACCTCTAGGTCC[T>C]GGACGTGCTATGCTCCCTGTGTGTGTGTAATGGTGTGGCTGTACGCTCCAACCAAGATCT-3'
Protein context (NP_000531.2, residues 589-609): LDKHGRNHKV[Leu599Pro]DVLCSLCVCN